The following is an entry in ClinVar:

ClinVar aggregate classification (germline): Uncertain significance. Review status: criteria provided, multiple submitters, no conflicts (2 of 4 stars). 2 submissions from 2 submitters: Uncertain significance (2). Last evaluated 2025-09-01.

Conditions:
Brugada syndrome. Also called: Sudden unexpected nocturnal death syndrome; Sudden Unexplained Death Syndrome; Sudden Unexplained Nocturnal Death Syndrome (SUNDS); Sudden unexplained nocturnal death syndrome. Identifiers: Orphanet 130, MedGen C1142166, MONDO:0015263.

Allele frequency attached by ClinVar (database versions not stated): gnomAD exomes 0.00001 and 0.00002; TOPMed 0.00001; ExAC 0.00001; gnomAD 0.00001.
gnomAD v4.1: 34 of 1,559,110 alleles (0.0022%); highest among the groups gnomAD compares: Non-Finnish European, 0.0029%; no homozygotes.

Submissions (2):

Ambry Genetics
Classification: Uncertain significance. Last evaluated: 2025-09-01. Review status: criteria provided, single submitter. Criteria: Ambry Variant Classification Scheme 2023. Collection method: clinical testing. Allele origin: germline.

Labcorp Genetics (formerly Invitae), Labcorp
Classification: Uncertain significance for Brugada syndrome. Last evaluated: 2025-02-27. Review status: criteria provided, single submitter. Criteria: Invitae Variant Classification Sherloc (09022015). Collection method: clinical testing. Allele origin: germline.
Comment: This sequence change replaces arginine, which is basic and polar, with glutamine, which is neutral and polar, at codon 672 of the SLMAP protein (p.Arg672Gln). This variant is present in population databases (rs762620820, gnomAD 0.003%). This variant has not been reported in the literature in individuals affected with SLMAP-related conditions. ClinVar contains an entry for this variant (Variation ID: 1399950). An algorithm developed to predict the effect of missense changes on protein structure and function outputs the following: PolyPhen-2: "Benign". The glutamine amino acid residue is found in multiple mammalian species, which suggests that this missense change does not adversely affect protein function. In summary, the available evidence is currently insufficient to determine the role of this variant in disease. Therefore, it has been classified as a Variant of Uncertain Significance.

NM_001377540.1(SLMAP):c.2117G>A (p.Arg706Gln)

Gene: SLMAP (sarcolemma associated protein; plus strand). Cytogenetic location: 3p14.3.
Variant type: single nucleotide variant.
Coding change: c.2117G>A on transcript NM_001377540.1 (MANE Select); coding-DNA position 2117, G replaced by A.
Protein change: p.Arg706Gln; replaces arginine 706 with glutamine.
Molecular consequence: missense variant. On other transcripts: non-coding transcript variant (1).
Genome position (GRCh38, 1-based): chr3:57,913,254, G>A. VCF-style: chr3-57913254-G-A. GRCh37 (hg19) VCF-style: chr3-57898981-G-A.
Other names: c.2066G>A, p.Arg689Gln (NM_001304420.3, NM_001377541.1, NM_001377542.1); c.1952G>A, p.Arg651Gln (NM_001304421.2, NM_001377557.1, NM_001377559.1); c.668G>A, p.Arg223Gln (NM_001304422.3, NM_001311178.2); c.470G>A, p.Arg157Gln (NM_001304423.3); c.545G>A, p.Arg182Gln (NM_001311179.2, NM_001377926.1, NM_001377927.1 and 1 more transcripts); c.2138G>A, p.Arg713Gln (NM_001377538.1); c.2117G>A, p.Arg706Gln (NM_001377539.1); c.2054G>A, p.Arg685Gln (NM_001377545.1); and 9 more; short protein forms R665Q, R182Q, R223Q, R648Q, R685Q, R689Q, R627Q, R672Q.
Identifiers: ClinVar variation 1399950 (VCV001399950.9), dbSNP rs762620820, ClinGen allele CA2467295.